The following is an entry in ClinVar:

NM_173689.7(CRB2):c.824G>A (p.Arg275Gln)

Gene: CRB2 (crumbs cell polarity complex component 2; plus strand). Cytogenetic location: 9q33.3.
Variant type: single nucleotide variant.
Coding change: c.824G>A on transcript NM_173689.7 (MANE Select); coding-DNA position 824, G replaced by A.
Protein change: p.Arg275Gln; replaces arginine 275 with glutamine.
Molecular consequence: missense variant.
Genome position (GRCh38, 1-based): chr9:123,367,241, G>A. VCF-style: chr9-123367241-G-A. GRCh37 (hg19) VCF-style: chr9-126129520-G-A.
Other names: short protein forms R275Q.
Identifiers: ClinVar variation 4616537 (VCV004616537.2).

ClinVar aggregate classification (germline): Conflicting classifications of pathogenicity. Review status: criteria provided, conflicting classifications (1 of 4 stars). 2 submissions from 2 submitters: Uncertain significance (1); Likely benign (1). Last evaluated 2025-11-20.

Conditions:
Inborn genetic diseases. Identifiers: MedGen C0950123, MeSH D030342.

gnomAD v4.1: 11 of 1,596,386 alleles (0.00069%); highest among the groups gnomAD compares: South Asian, 0.0011%; no homozygotes.

Submissions (2):

Ambry Genetics
Classification: Likely benign for Inborn genetic diseases. Last evaluated: 2025-11-20. Review status: criteria provided, single submitter. Criteria: Ambry Variant Classification Scheme 2023. Collection method: clinical testing. Allele origin: germline.

Labcorp Genetics (formerly Invitae), Labcorp
Classification: Uncertain significance. Last evaluated: 2025-06-15. Review status: criteria provided, single submitter. Criteria: Invitae Variant Classification Sherloc (09022015). Collection method: clinical testing. Allele origin: germline.
Comment: This sequence change replaces arginine, which is basic and polar, with glutamine, which is neutral and polar, at codon 275 of the CRB2 protein (p.Arg275Gln). The frequency data for this variant in the population databases is considered unreliable, as metrics indicate poor data quality at this position in the gnomAD database. This variant has not been reported in the literature in individuals affected with CRB2-related conditions. Invitae Evidence Modeling of protein sequence and biophysical properties (such as structural, functional, and spatial information, amino acid conservation, physicochemical variation, residue mobility, and thermodynamic stability) indicates that this missense variant is not expected to disrupt CRB2 protein function with a negative predictive value of 95%. In summary, the available evidence is currently insufficient to determine the role of this variant in disease. Therefore, it has been classified as a Variant of Uncertain Significance.